The following is an entry in ClinVar:

NM_001849.4(COL6A2):c.2768A>G (p.His923Arg)

Gene: COL6A2 (collagen type VI alpha 2 chain; plus strand). Cytogenetic location: 21q22.3.
Variant type: single nucleotide variant.
Coding change: c.2768A>G on transcript NM_001849.4 (MANE Select); coding-DNA position 2768, A replaced by G.
Protein change: p.His923Arg; replaces histidine 923 with arginine.
Molecular consequence: missense variant.
Genome position (GRCh38, 1-based): chr21:46,132,260, A>G. VCF-style: chr21-46132260-A-G. GRCh37 (hg19) VCF-style: chr21-47552174-A-G.
Other names: short protein forms H923R.
Identifiers: ClinVar variation 1394385 (VCV001394385.6), dbSNP rs2123455354, ClinGen allele CA410549581.

ClinVar aggregate classification (germline): Uncertain significance (1 of 4 stars; one submission).

Conditions:
Bethlem myopathy 1A. Also called: Bethlem myopathy 1; Bethlem Muscular Dystrophy; MYOPATHY, BENIGN CONGENITAL, WITH CONTRACTURES. Identifiers: Orphanet 610, MedGen CN029274, MONDO:0024530, OMIM 158810.

Allele frequency attached by ClinVar (database versions not stated): gnomAD exomes below 0.00001.
gnomAD v4.1: 1 of 1,606,320 alleles (0.000062%); highest among the groups gnomAD compares: Non-Finnish European, 0.000085%; no homozygotes.

Submission:

Labcorp Genetics (formerly Invitae), Labcorp
Classification: Uncertain significance for Bethlem myopathy 1A. Last evaluated: 2021-11-21. Review status: criteria provided, single submitter. Criteria: Invitae Variant Classification Sherloc (09022015). Collection method: clinical testing. Allele origin: germline.
Comment: In summary, the available evidence is currently insufficient to determine the role of this variant in disease. Therefore, it has been classified as a Variant of Uncertain Significance. Advanced modeling of protein sequence and biophysical properties (such as structural, functional, and spatial information, amino acid conservation, physicochemical variation, residue mobility, and thermodynamic stability) performed at Invitae indicates that this missense variant is not expected to disrupt COL6A2 protein function. This variant has not been reported in the literature in individuals affected with COL6A2-related conditions. This variant is not present in population databases (gnomAD no frequency). This sequence change replaces histidine, which is basic and polar, with arginine, which is basic and polar, at codon 923 of the COL6A2 protein (p.His923Arg).